The following is an entry in ClinVar:

NM_001083116.3(PRF1):c.356G>A (p.Arg119Gln)

Gene: PRF1 (perforin 1; minus strand). Cytogenetic location: 10q22.1.
Variant type: single nucleotide variant.
Coding change: c.356G>A on transcript NM_001083116.3 (MANE Select); coding-DNA position 356, G replaced by A.
Protein change: p.Arg119Gln; replaces arginine 119 with glutamine.
Molecular consequence: missense variant.
Genome position (GRCh38, 1-based): chr10:70,600,547, C>T on the plus strand (G>A on the coding strand, the complement: PRF1 is on the minus strand). VCF-style: chr10-70600547-C-T. GRCh37 (hg19) VCF-style: chr10-72360303-C-T.
Other names: c.356G>A, p.Arg119Gln (NM_005041.6); short protein forms R119Q.
Identifiers: ClinVar variation 643689 (VCV000643689.6), dbSNP rs777662073, ClinGen allele CA5539066.

ClinVar aggregate classification (germline): Conflicting classifications of pathogenicity. Review status: criteria provided, conflicting classifications (1 of 4 stars). 3 submissions from 3 submitters: Uncertain significance (2); Likely benign (1). Last evaluated 2025-11-17.

Conditions:
Inborn genetic diseases. Identifiers: MedGen C0950123, MeSH D030342.
Familial hemophagocytic lymphohistiocytosis 2 (FHL2). Also called: PRF1-Related Familial Hemophagocytic Lymphohistiocytosis (PRF1-fHLH). Identifiers: Orphanet 540, MedGen C1863727, MONDO:0011337, OMIM 603553.

Allele frequency attached by ClinVar (database versions not stated): ExAC 0.00002; gnomAD exomes 0.00003 and 0.00007; gnomAD 0.00013 and 0.00014; TOPMed 0.00018.
gnomAD v4.1: 59 of 1,614,006 alleles (0.0037%); highest among the groups gnomAD compares: Admixed American, 0.062%; no homozygotes.

Submissions (3):

Labcorp Genetics (formerly Invitae), Labcorp
Classification: Uncertain significance for Familial hemophagocytic lymphohistiocytosis 2. Last evaluated: 2025-11-17. Review status: criteria provided, single submitter. Criteria: Invitae Variant Classification Sherloc (09022015). Collection method: clinical testing. Allele origin: germline.
Comment: This sequence change replaces arginine, which is basic and polar, with glutamine, which is neutral and polar, at codon 119 of the PRF1 protein (p.Arg119Gln). This variant is present in population databases (rs777662073, gnomAD 0.04%). This variant has not been reported in the literature in individuals affected with PRF1-related conditions. ClinVar contains an entry for this variant (Variation ID: 643689). Invitae Evidence Modeling of protein sequence and biophysical properties (such as structural, functional, and spatial information, amino acid conservation, physicochemical variation, residue mobility, and thermodynamic stability) indicates that this missense variant is not expected to disrupt PRF1 protein function with a negative predictive value of 95%. In summary, the available evidence is currently insufficient to determine the role of this variant in disease. Therefore, it has been classified as a Variant of Uncertain Significance.

Blueprint Genetics
Classification: Uncertain significance. Last evaluated: 2023-02-06. Review status: criteria provided, single submitter. Criteria: ACMG Guidelines, 2015. Collection method: clinical testing. Allele origin: germline.

Ambry Genetics
Classification: Likely benign for Inborn genetic diseases. Last evaluated: 2022-12-01. Review status: criteria provided, single submitter. Criteria: Ambry Variant Classification Scheme 2023. Collection method: clinical testing. Allele origin: germline.